The following is an entry in ClinVar:

ClinVar aggregate classification (germline): Pathogenic (1 of 4 stars; one submission).

Submission:

Labcorp Genetics (formerly Invitae), Labcorp
Classification: Pathogenic. Last evaluated: 2022-08-09. Review status: criteria provided, single submitter. Criteria: Invitae Variant Classification Sherloc (09022015). Collection method: clinical testing. Allele origin: germline.
Comment: For these reasons, this variant has been classified as Pathogenic. This variant has not been reported in the literature in individuals affected with LAMC3-related conditions. The frequency data for this variant in the population databases is considered unreliable, as metrics indicate poor data quality at this position in the gnomAD database. This sequence change creates a premature translational stop signal (p.Ser519Leufs*2) in the LAMC3 gene. It is expected to result in an absent or disrupted protein product. Loss-of-function variants in LAMC3 are known to be pathogenic (PMID: 21572413, 26802095).

Literature cited by the submitters: PubMed 21572413; PubMed 26802095.

NM_006059.4(LAMC3):c.1553dup (p.Ser519fs)

Gene: LAMC3 (laminin subunit gamma 3; plus strand). Cytogenetic location: 9q34.12.
Variant type: Duplication.
Coding change: c.1553dup on transcript NM_006059.4 (MANE Select); coding-DNA position 1553, one base duplicated (G; older notation c.1553dupG).
Protein change: p.Ser519fs; shifts the reading frame from serine 519.
Molecular consequence: frameshift variant.
Genome position (GRCh38, 1-based): chr9:131,049,053, G duplicated; the last of 6 consecutive G bases (chr9:131,049,048-131,049,053); duplicating any one gives the same sequence. VCF-style (leftmost placement, unchanged base first): chr9-131049047-T-TG. GRCh37 (hg19) VCF-style: chr9-133924434-T-TG.
Other names: short protein forms S519fs.
Identifiers: ClinVar variation 1908192 (VCV001908192.5), dbSNP rs1564375476, ClinGen allele CA590739252.